The following is an entry in ClinVar:

ClinVar aggregate classification (germline): Uncertain significance (1 of 4 stars; one submission).

Conditions:
Hereditary cancer-predisposing syndrome. Also called: Hereditary Cancer Syndrome; Hereditary neoplastic syndrome; Neoplastic Syndromes, Hereditary; Tumor predisposition. Identifiers: Orphanet 140162, MedGen C0027672, MeSH D009386, MONDO:0015356.

Submission:

Ambry Genetics
Classification: Uncertain significance for Hereditary cancer-predisposing syndrome. Last evaluated: 2021-12-10. Review status: criteria provided, single submitter. Criteria: Ambry Variant Classification Scheme 2023. Collection method: clinical testing. Allele origin: germline.
Comment: The p.S1863Y variant (also known as c.5588C>A), located in coding exon 36 of the ATM gene, results from a C to A substitution at nucleotide position 5588. The serine at codon 1863 is replaced by tyrosine, an amino acid with dissimilar properties. This amino acid position is conserved. In addition, this alteration is predicted to be deleterious by in silico analysis. Since supporting evidence is limited at this time, the clinical significance of this alteration remains unclear.

NM_000051.4(ATM):c.5588C>A (p.Ser1863Tyr)

Gene: ATM (ATM serine/threonine kinase; plus strand). Cytogenetic location: 11q22.3.
Variant type: single nucleotide variant.
Coding change: c.5588C>A on transcript NM_000051.4 (MANE Select); coding-DNA position 5588, C replaced by A.
Protein change: p.Ser1863Tyr; replaces serine 1863 with tyrosine.
Molecular consequence: missense variant.
Genome position (GRCh38, 1-based): chr11:108,304,766, C>A. VCF-style: chr11-108304766-C-A. GRCh37 (hg19) VCF-style: chr11-108175493-C-A.
Other names: c.5588C>A, p.Ser1863Tyr (NM_001351834.2); short protein forms S1863Y.
Identifiers: ClinVar variation 1748452 (VCV001748452.2), dbSNP rs2135944480, ClinGen allele CA382546172.